The following is an entry in ClinVar:

NM_007059.4(KPTN):c.779C>A (p.Ala260Asp)

Gene: KPTN (kaptin, actin binding protein; minus strand). Cytogenetic location: 19q13.32.
Variant type: single nucleotide variant.
Coding change: c.779C>A on transcript NM_007059.4 (MANE Select); coding-DNA position 779, C replaced by A.
Protein change: p.Ala260Asp; replaces alanine 260 with aspartic acid.
Molecular consequence: missense variant. On other transcripts: non-coding transcript variant (1).
Genome position (GRCh38, 1-based): chr19:47,479,871, G>T on the plus strand (C>A on the coding strand, the complement: KPTN is on the minus strand). VCF-style: chr19-47479871-G-T. GRCh37 (hg19) VCF-style: chr19-47983128-G-T.
Other names: c.611C>A, p.Ala204Asp (NM_001291296.2); short protein forms A260D, A204D.
Identifiers: ClinVar variation 1034348 (VCV001034348.5), dbSNP rs547863250, ClinGen allele CA9540323.
Genomic context (GRCh38, chr19:47,479,871, plus strand): 5'-GCCTCTTCCCTCCCACCCGCTCTCTCCCCATCCCCTCAAACCCAGAGCTCACCCTTGGCG[G>T]CCGAGAGGCTGAACACAATCACTCGGGAGATGGGACCGTCCTGCAGGACCGACCACATCT-3'
Protein context (NP_008990.2, residues 250-270): ISRVIVFSLS[Ala260Asp]AKETKDRPLQ

ClinVar aggregate classification (germline): Uncertain significance. Review status: criteria provided, multiple submitters, no conflicts (2 of 4 stars). 3 submissions from 3 submitters: Uncertain significance (3). Last evaluated 2024-03-01.

Conditions:
Macrocephaly-developmental delay syndrome (MRT41). Also called: INTELLECTUAL DEVELOPMENTAL DISORDER, AUTOSOMAL RECESSIVE 41. Identifiers: Orphanet 397612, MedGen C3810225, MONDO:0014289, OMIM 615637.
Inborn genetic diseases. Identifiers: MedGen C0950123, MeSH D030342.

Allele frequency attached by ClinVar (database versions not stated): TOPMed below 0.00001; gnomAD 0.00002 and 0.00003; ExAC 0.00004; 1000 Genomes Project 30x 0.00016; 1000 Genomes Project 0.00020.
gnomAD v4.1: 20 of 1,613,042 alleles (0.0012%); highest among the groups gnomAD compares: East Asian, 0.045%; no homozygotes.

Submissions (3):

Ambry Genetics
Classification: Uncertain significance for Inborn genetic diseases. Last evaluated: 2024-03-01. Review status: criteria provided, single submitter. Criteria: Ambry Variant Classification Scheme 2023. Collection method: clinical testing. Allele origin: germline.

Labcorp Genetics (formerly Invitae), Labcorp
Classification: Uncertain significance for Macrocephaly-developmental delay syndrome. Last evaluated: 2022-12-02. Review status: criteria provided, single submitter. Criteria: Invitae Variant Classification Sherloc (09022015). Collection method: clinical testing. Allele origin: germline.
Comment: In summary, the available evidence is currently insufficient to determine the role of this variant in disease. Therefore, it has been classified as a Variant of Uncertain Significance. Advanced modeling of protein sequence and biophysical properties (such as structural, functional, and spatial information, amino acid conservation, physicochemical variation, residue mobility, and thermodynamic stability) performed at Invitae indicates that this missense variant is not expected to disrupt KPTN protein function. ClinVar contains an entry for this variant (Variation ID: 1034348). This variant has not been reported in the literature in individuals affected with KPTN-related conditions. This variant is present in population databases (rs547863250, gnomAD 0.08%). This sequence change replaces alanine, which is neutral and non-polar, with aspartic acid, which is acidic and polar, at codon 260 of the KPTN protein (p.Ala260Asp).

Baylor Genetics
Classification: Uncertain significance for Macrocephaly-developmental delay syndrome. Last evaluated: 2018-08-27. Review status: criteria provided, single submitter. Criteria: ACMG Guidelines, 2015. Collection method: clinical testing. Allele origin: unknown. Affected: yes.
Comment: This variant was determined to be of uncertain significance according to ACMG Guidelines, 2015 [PMID:25741868].